The following is an entry in ClinVar:

NM_206933.4(USH2A):c.747del (p.Phe249fs)

Gene: USH2A (usherin; minus strand). Cytogenetic location: 1q41.
Variant type: Deletion.
Coding change: c.747del on transcript NM_206933.4 (MANE Select); coding-DNA position 747, one base deleted (T; older notation c.747delT).
Protein change: p.Phe249fs; shifts the reading frame from phenylalanine 249.
Molecular consequence: frameshift variant.
Genome position (GRCh38, 1-based): chr1:216,364,990, A deleted on the plus strand (T on the coding strand, the reverse complement: USH2A is on the minus strand); the first of 4 consecutive A bases (chr1:216,364,990-216,364,993); deleting any one gives the same sequence. VCF-style (leftmost placement, unchanged base first): chr1-216364989-CA-C. GRCh37 (hg19) VCF-style: chr1-216538331-CA-C.
Other names: c.747del, p.Phe249fs (NM_007123.6); short protein forms F249fs.
Identifiers: ClinVar variation 2711640 (VCV002711640.3), dbSNP rs2527531294, ClinGen allele CA2697554889.
Genomic context (GRCh38, chr1:216,364,989, plus strand): 5'-AACATTCTGAAGTCAGAAACTTACCATTTAAACTCTGTCCTATTTGCACAGTACCAGATG[CA>C]AAATCTGTAATTGAACCACTTAGAGTTCTTGCATTGAAAGGTGTATGATCCTTCTCCACG-3'

ClinVar aggregate classification (germline): Pathogenic (1 of 4 stars; one submission).

Submission:

Labcorp Genetics (formerly Invitae), Labcorp
Classification: Pathogenic. Last evaluated: 2024-01-26. Review status: criteria provided, single submitter. Criteria: Invitae Variant Classification Sherloc (09022015). Collection method: clinical testing. Allele origin: germline.
Comment: This sequence change creates a premature translational stop signal (p.Phe249Leufs*8) in the USH2A gene. It is expected to result in an absent or disrupted protein product. Loss-of-function variants in USH2A are known to be pathogenic (PMID: 10729113, 10909849, 20507924, 25649381). This variant is not present in population databases (gnomAD no frequency). This variant has not been reported in the literature in individuals affected with USH2A-related conditions. For these reasons, this variant has been classified as Pathogenic.

Literature cited by the submitters: PubMed 10729113; PubMed 10909849; PubMed 20507924; PubMed 25649381.